The following is an entry in ClinVar:

ClinVar aggregate classification (germline): Pathogenic (1 of 4 stars; one submission).

Conditions:
DNA ligase IV deficiency. Identifiers: Orphanet 99812, MedGen C1847827, MONDO:0011686, OMIM 606593.

Submission:

Labcorp Genetics (formerly Invitae), Labcorp
Classification: Pathogenic for DNA ligase IV deficiency. Last evaluated: 2024-10-03. Review status: criteria provided, single submitter. Criteria: Invitae Variant Classification Sherloc (09022015). Collection method: clinical testing. Allele origin: germline.
Comment: This sequence change creates a premature translational stop signal (p.Ser63Phefs*22) in the LIG4 gene. While this is not anticipated to result in nonsense mediated decay, it is expected to disrupt the last 849 amino acid(s) of the LIG4 protein. This variant is not present in population databases (gnomAD no frequency). This variant has not been reported in the literature in individuals affected with LIG4-related conditions. This variant disrupts a region of the LIG4 protein in which other variant(s) (p.Gln904*) have been determined to be pathogenic (PMID: 34630384). This suggests that this is a clinically significant region of the protein, and that variants that disrupt it are likely to be disease-causing. For these reasons, this variant has been classified as Pathogenic.

Literature cited by the submitters: PubMed 34630384.

NM_206937.2(LIG4):c.188_189del (p.Ser63fs)

Gene: LIG4 (DNA ligase 4; minus strand). Cytogenetic location: 13q33.3.
Variant type: Microsatellite.
Coding change: c.188_189del on transcript NM_206937.2 (MANE Select); coding-DNA positions 188 to 189, 2 bases deleted (CT; older notation c.188_189delCT).
Protein change: p.Ser63fs; shifts the reading frame from serine 63.
Molecular consequence: frameshift variant. On other transcripts: 5 prime UTR variant (1).
Genome position (GRCh38, 1-based): chr13:108,211,080-108,211,081, AG deleted on the plus strand (CT on the coding strand, the reverse complement: LIG4 is on the minus strand); deleting any 2 consecutive bases within chr13:108,211,080-108,211,083 gives the same sequence; the c. name uses the placement nearest the transcript's 3' end. VCF-style (leftmost placement, unchanged base first): chr13-108211079-AAG-A. GRCh37 (hg19) VCF-style: chr13-108863427-AAG-A.
Other names: c.188_189del, p.Ser63fs (NM_001098268.2, NM_001352598.2, NM_001352599.2 and 6 more transcripts); c.-16CT[1] (NM_001330595.2); c.224_225del, p.Ser75fs (NM_001352604.2); short protein forms S63fs, S75fs.
Identifiers: ClinVar variation 3716012 (VCV003716012.2).